The following is an entry in ClinVar:

ClinVar aggregate classification (germline): Uncertain significance. Review status: criteria provided, multiple submitters, no conflicts (2 of 4 stars). 2 submissions from 2 submitters: Uncertain significance (2). Last evaluated 2024-11-11.

Conditions:
Inborn genetic diseases. Identifiers: MedGen C0950123, MeSH D030342.

Allele frequency attached by ClinVar (database versions not stated): ExAC 0.00002; gnomAD exomes 0.00002 and 0.00003; TOPMed 0.00002; gnomAD 0.00003 and 0.00004; ESP Exome Variant Server 0.00008.
gnomAD v4.1: 43 of 1,505,490 alleles (0.0029%); highest among the groups gnomAD compares: Admixed American, 0.007%; no homozygotes.

Submissions (2):

Labcorp Genetics (formerly Invitae), Labcorp
Classification: Uncertain significance. Last evaluated: 2024-11-11. Review status: criteria provided, single submitter. Criteria: Invitae Variant Classification Sherloc (09022015). Collection method: clinical testing. Allele origin: germline.
Comment: This sequence change replaces isoleucine, which is neutral and non-polar, with valine, which is neutral and non-polar, at codon 239 of the LMBR1 protein (p.Ile239Val). This variant is present in population databases (rs373717180, gnomAD 0.008%). This variant has not been reported in the literature in individuals affected with LMBR1-related conditions. ClinVar contains an entry for this variant (Variation ID: 1369680). Invitae Evidence Modeling of protein sequence and biophysical properties (such as structural, functional, and spatial information, amino acid conservation, physicochemical variation, residue mobility, and thermodynamic stability) indicates that this missense variant is not expected to disrupt LMBR1 protein function with a negative predictive value of 80%. In summary, the available evidence is currently insufficient to determine the role of this variant in disease. Therefore, it has been classified as a Variant of Uncertain Significance.

Ambry Genetics
Classification: Uncertain significance for Inborn genetic diseases. Last evaluated: 2024-02-05. Review status: criteria provided, single submitter. Criteria: Ambry Variant Classification Scheme 2023. Collection method: clinical testing. Allele origin: germline.

NM_022458.4(LMBR1):c.715A>G (p.Ile239Val)

Gene: LMBR1 (limb development membrane protein 1; minus strand). Cytogenetic location: 7q36.3.
Variant type: single nucleotide variant.
Coding change: c.715A>G on transcript NM_022458.4 (MANE Select); coding-DNA position 715, A replaced by G.
Protein change: p.Ile239Val; replaces isoleucine 239 with valine.
Molecular consequence: missense variant. On other transcripts: non-coding transcript variant (2).
Genome position (GRCh38, 1-based): chr7:156,756,435, T>C on the plus strand (A>G on the coding strand, the complement: LMBR1 is on the minus strand). VCF-style: chr7-156756435-T-C. GRCh37 (hg19) VCF-style: chr7-156549129-T-C.
Other names: c.715A>G, p.Ile239Val (NM_001350953.2, NM_001363409.2, NM_001363410.2); c.436A>G, p.Ile146Val (NM_001350954.2); c.259A>G, p.Ile87Val (NM_001350955.2, NM_001350956.2, NM_001350958.2 and 1 more transcripts); c.346A>G, p.Ile116Val (NM_001350957.2, NM_001363411.2); c.652A>G, p.Ile218Val (NM_001363412.2); c.715A>G (NM_022458.3); short protein forms I146V, I239V, I116V, I218V, I87V.
Identifiers: ClinVar variation 1369680 (VCV001369680.7), dbSNP rs373717180, ClinGen allele CA4588015.